The following is an entry in ClinVar:

NM_000020.3(ACVRL1):c.*560T>C

Gene: ACVRL1 (activin A receptor like type 1; plus strand). Cytogenetic location: 12q13.13.
Variant type: single nucleotide variant.
Coding change: c.*560T>C on transcript NM_000020.3 (MANE Select); 560 bases downstream of the stop codon, T replaced by C.
Molecular consequence: 3 prime UTR variant.
Genome position (GRCh38, 1-based): chr12:51,921,453, T>C. VCF-style: chr12-51921453-T-C. GRCh37 (hg19) VCF-style: chr12-52315237-T-C.
Other names: c.*560T>C (NM_001077401.2).
Identifiers: ClinVar variation 309454 (VCV000309454.6), dbSNP rs706818, ClinGen allele CA10642707.

ClinVar aggregate classification (germline): Benign. Review status: criteria provided, multiple submitters, no conflicts (2 of 4 stars). 2 submissions from 2 submitters: Benign (2). Last evaluated 2018-01-13.

Conditions:
Telangiectasia, hereditary hemorrhagic, type 2 (HHT2). Also called: ACVRL1-Related Hereditary Hemorrhagic Telangiectasia; Telangiectasia, hereditary hemorrhagic, type II. Identifiers: Orphanet 774, MedGen C1838163, MONDO:0010880, OMIM 600376. Disease mechanism: loss of function.

Allele frequency attached by ClinVar (database versions not stated): gnomAD exomes 0.23843; gnomAD 0.31198 and 0.31441; TOPMed 0.31936; 1000 Genomes Project 0.34245; 1000 Genomes Project 30x 0.34385.

Submissions (2):

Illumina Laboratory Services, Illumina
Classification: Benign for Telangiectasia, hereditary hemorrhagic, type 2. Last evaluated: 2018-01-13. Review status: criteria provided, single submitter. Criteria: ICSL Variant Classification Criteria 13 December 2019. Collection method: clinical testing. Allele origin: germline.
Comment: This variant was observed in the ICSL laboratory as part of a predisposition screen in an ostensibly healthy population. It had not been previously curated by ICSL or reported in the Human Gene Mutation Database (HGMD: prior to June 1st, 2018), and was therefore a candidate for classification through an automated scoring system. Utilizing variant allele frequency, disease prevalence and penetrance estimates, and inheritance mode, an automated score was calculated to assess if this variant is too frequent to cause the disease. Based on the score and internal cut-off values, a variant classified as benign is not then subjected to further curation. The score for this variant resulted in a classification of benign for this disease.

Breakthrough Genomics
Classification: Benign. Review status: criteria provided, single submitter. Criteria: ACMG Guidelines, 2015. Collection method: not provided. Allele origin: germline. Inheritance: Autosomal dominant inheritance. Affected: yes.